The following is an entry in ClinVar:

NC_000004.11:g.(?_36309806)_(36310135_?)dup

Gene: DTHD1 (death domain containing 1; plus strand). Cytogenetic location: 4p14.
Variant type: Duplication.
Identifiers: ClinVar variation 1410232 (VCV001410232.5).

ClinVar aggregate classification (germline): Uncertain significance (1 of 4 stars; one submission).

Submission:

Labcorp Genetics (formerly Invitae), Labcorp
Classification: Uncertain significance. Last evaluated: 2022-03-09. Review status: criteria provided, single submitter. Criteria: Invitae Variant Classification Sherloc (09022015). Collection method: clinical testing. Allele origin: germline.
Comment: In summary, the available evidence is currently insufficient to determine the role of this variant in disease. Therefore, it has been classified as a Variant of Uncertain Significance. This variant has not been reported in the literature in individuals affected with DTHD1-related conditions. This variant results in a copy number gain of the genomic region encompassing exon(s) 6 of the DTHD1 gene. While the exact position of this variant cannot be determined from the data, sub-genic copy number gains are generally in tandem (PMID: 25640679). This variant is predicted to be out-of-frame, and may result in an absent or disrupted protein product. However, the current clinical and genetic evidence is not sufficient to establish whether loss-of-function variants in DTHD1 cause disease.

Literature cited by the submitters: PubMed 25640679.